The following is an entry in ClinVar:

NM_001875.5(CPS1):c.3928-16T>C

Gene: CPS1 (carbamoyl-phosphate synthase 1; plus strand). Cytogenetic location: 2q34.
Variant type: single nucleotide variant.
Coding change: c.3928-16T>C on transcript NM_001875.5 (MANE Select); 16 bases into the intron before coding-DNA position 3928, T replaced by C.
Molecular consequence: intron variant.
Genome position (GRCh38, 1-based): chr2:210,663,107, T>C. VCF-style: chr2-210663107-T-C. GRCh37 (hg19) VCF-style: chr2-211527831-T-C.
Other names: c.3928-16T>C (LRG_336t1, NM_001369257.1, NM_001122633.3); c.3961-16T>C (NM_001369256.1).
Identifiers: ClinVar variation 387401 (VCV000387401.1), dbSNP rs1057522781, ClinGen allele CA16604113.

ClinVar aggregate classification (germline): Likely benign (1 of 4 stars; one submission).

Submission:

GeneDx
Classification: Likely benign. Last evaluated: 2016-06-29. Review status: criteria provided, single submitter. Criteria: GeneDx Variant Classification (06012015). Collection method: clinical testing. Allele origin: germline. Affected: yes.
Comment: This variant is considered likely benign or benign based on one or more of the following criteria: it is a conservative change, it occurs at a poorly conserved position in the protein, it is predicted to be benign by multiple in silico algorithms, and/or has population frequency not consistent with disease.